The following is an entry in ClinVar:

ClinVar aggregate classification (germline): Likely benign. Review status: criteria provided, multiple submitters, no conflicts (2 of 4 stars). 3 submissions from 3 submitters: Likely benign (3). Last evaluated 2025-10-09.

Conditions:
MYO18B-related disorder. Also called: MYO18B-related condition.

Allele frequency attached by ClinVar (database versions not stated): gnomAD exomes 0.00006 and 0.00010; ExAC 0.00010; gnomAD 0.00019; TOPMed 0.00020.
gnomAD v4.1: 113 of 1,610,888 alleles (0.007%); highest among the groups gnomAD compares: East Asian, 0.094%; no homozygotes.

Submissions (3):

Labcorp Genetics (formerly Invitae), Labcorp
Classification: Likely benign. Last evaluated: 2025-10-09. Review status: criteria provided, single submitter. Criteria: Invitae Variant Classification Sherloc (09022015). Collection method: clinical testing. Allele origin: germline.

PreventionGenetics, part of Exact Sciences
Classification: Likely benign for MYO18B-related condition. Last evaluated: 2025-01-03. Review status: criteria provided, single submitter. Criteria: ACMG Guidelines, 2015. Collection method: clinical testing. Allele origin: germline.
Comment: This variant is classified as likely benign based on ACMG/AMP sequence variant interpretation guidelines (Richards et al. 2015 PMID: 25741868, with internal and published modifications).

Blueprint Genetics
Classification: Likely benign. Last evaluated: 2024-08-08. Review status: criteria provided, single submitter. Criteria: ACMG Guidelines, 2015. Collection method: clinical testing. Allele origin: germline.

NM_032608.7(MYO18B):c.1089C>T (p.Gly363=)

Gene: MYO18B (myosin XVIIIB; plus strand). Cytogenetic location: 22q12.1.
Variant type: single nucleotide variant.
Coding change: c.1089C>T on transcript NM_032608.7 (MANE Select); coding-DNA position 1089, C replaced by T.
Protein change: p.Gly363=; no amino-acid change (glycine 363 retained).
Molecular consequence: synonymous variant.
Genome position (GRCh38, 1-based): chr22:25,769,005, C>T. VCF-style: chr22-25769005-C-T. GRCh37 (hg19) VCF-style: chr22-26164972-C-T.
Other names: c.1089C>T, p.Gly363= (NM_001318245.2); c.1089C>T (NM_032608.6).
Identifiers: ClinVar variation 1596117 (VCV001596117.11), dbSNP rs771016445, ClinGen allele CA10159752.
Genomic context (GRCh38, chr22:25,769,005, plus strand): 5'-TAAGGCAGAGAAGACAGGTGAGCCTCAGACCCAGATGGAGAAGACAAGCCAAGTGCAGGG[C>T]GAGTTGGGGGACGATCTGAGAATGGGGGAGAAAGCAGGTGAGCTTCGGAGCACGACTGGG-3'
Protein context (NP_115997.5, residues 353-373): TQMEKTSQVQ[Gly363=]ELGDDLRMGE